The following is an entry in ClinVar:

NM_001127511.3(APC):c.159C>G (p.Val53=)

Gene: APC (APC regulator of Wnt signaling pathway; plus strand). Cytogenetic location: 5q22.2.
Variant type: single nucleotide variant.
Coding change: c.159C>G on transcript NM_001127511.3; coding-DNA position 159, C replaced by G.
Protein change: p.Val53=; no amino-acid change (valine 53 retained).
Molecular consequence: synonymous variant. On other transcripts: 5 prime UTR variant (8), non-coding transcript variant (1), intron variant (5).
Genome position (GRCh38, 1-based): chr5:112,707,876, C>G. VCF-style: chr5-112707876-C-G. GRCh37 (hg19) VCF-style: chr5-112043573-C-G.
Other names: c.-25C>G (NM_001354895.2, NM_001407447.1, NM_001407452.1 and 3 more transcripts); c.159C>G, p.Val53= (NM_001354897.2, NM_001354902.2, NM_001407446.1); c.-1060C>G (NM_001407470.1, NM_001407472.1); c.-19+227C>G (NM_001407448.1, NM_001407450.1, NM_001407457.1 and 1 more transcripts); c.-43+227C>G (NM_001407453.1).
Identifiers: ClinVar variation 1473822 (VCV001473822.6), dbSNP rs1277365767, ClinGen allele CA2573138806.

ClinVar aggregate classification (germline): Uncertain significance (1 of 4 stars; one submission).

Conditions:
Familial adenomatous polyposis 1 (FAP1). Also called: FAMILIAL ADENOMATOUS POLYPOSIS 1, ATTENUATED; POLYPOSIS, ADENOMATOUS INTESTINAL. Identifiers: MedGen C2713442, MONDO:0021056, OMIM 175100. Disease mechanism: loss of function.

Submission:

Labcorp Genetics (formerly Invitae), Labcorp
Classification: Uncertain significance for Familial adenomatous polyposis 1. Last evaluated: 2021-01-20. Review status: criteria provided, single submitter. Criteria: Invitae Variant Classification Sherloc (09022015). Collection method: clinical testing. Allele origin: germline.
Comment: This variant occurs in a non-coding region of the APC gene. It does not change the encoded amino acid sequence of the APC protein. The frequency data for this variant in the population databases is considered unreliable, as metrics indicate insufficient coverage at this position in the ExAC database. This variant has not been reported in the literature in individuals with APC-related conditions. Experimental studies and prediction algorithms are not available or were not evaluated, and the functional significance of this variant is currently unknown. In summary, the available evidence is currently insufficient to determine the role of this variant in disease. Therefore, it has been classified as a Variant of Uncertain Significance.